The following is an entry in ClinVar:

NM_145698.5(ACBD5):c.49T>C (p.Cys17Arg)

Genes: ACBD5 (acyl-CoA binding domain containing 5; minus strand), LOC130003557 (ATAC-STARR-seq lymphoblastoid active region 3182; plus strand). Cytogenetic location: 10p12.1.
Variant type: single nucleotide variant.
Coding change: c.49T>C on transcript NM_145698.5 (MANE Select); coding-DNA position 49, T replaced by C.
Protein change: p.Cys17Arg; replaces cysteine 17 with arginine.
Molecular consequence: missense variant. On other transcripts: 5 prime UTR variant (16).
Genome position (GRCh38, 1-based): chr10:27,240,451, A>G on the plus strand (T>C on the coding strand, the complement: ACBD5 is on the minus strand). VCF-style: chr10-27240451-A-G. GRCh37 (hg19) VCF-style: chr10-27529380-A-G.
Other names: c.-57T>C (NM_001042473.4, NM_001352574.2, NM_001352575.2 and 6 more transcripts); c.43T>C, p.Cys15Arg (NM_001271512.3, NM_001352571.1, NM_001352586.1 and 1 more transcripts); c.-158T>C (NM_001301251.2, NM_001301252.2, NM_001301253.2 and 4 more transcripts); c.70T>C, p.Cys24Arg (NM_001352568.1, NM_001352572.1); c.49T>C, p.Cys17Arg (NM_001352569.1, NM_001352570.1, NM_001352573.1 and 2 more transcripts); short protein forms C15R, C24R, C17R.
Identifiers: ClinVar variation 1377469 (VCV001377469.6), dbSNP rs2138620357, ClinGen allele CA376378873.

ClinVar aggregate classification (germline): Uncertain significance (1 of 4 stars; one submission).

gnomAD v4.1: 1 of 1,613,808 alleles (0.000062%); no homozygotes.

Submission:

Labcorp Genetics (formerly Invitae), Labcorp
Classification: Uncertain significance. Last evaluated: 2022-09-13. Review status: criteria provided, single submitter. Criteria: Invitae Variant Classification Sherloc (09022015). Collection method: clinical testing. Allele origin: germline.
Comment: Algorithms developed to predict the effect of missense changes on protein structure and function output the following: SIFT: "Deleterious"; PolyPhen-2: "Possibly Damaging"; Align-GVGD: "Class C0". The arginine amino acid residue is found in multiple mammalian species, which suggests that this missense change does not adversely affect protein function. This sequence change replaces cysteine, which is neutral and slightly polar, with arginine, which is basic and polar, at codon 17 of the ACBD5 protein (p.Cys17Arg). This variant is not present in population databases (gnomAD no frequency). This variant has not been reported in the literature in individuals affected with ACBD5-related conditions. ClinVar contains an entry for this variant (Variation ID: 1377469). In summary, the available evidence is currently insufficient to determine the role of this variant in disease. Therefore, it has been classified as a Variant of Uncertain Significance.